The following is an entry in ClinVar:

ClinVar aggregate classification (germline): Uncertain significance (1 of 4 stars; one submission).

gnomAD v4.1: 3 of 1,613,036 alleles (0.00019%); highest among the groups gnomAD compares: Admixed American, 0.0033%; no homozygotes.

Submission:

Labcorp Genetics (formerly Invitae), Labcorp
Classification: Uncertain significance. Last evaluated: 2024-02-27. Review status: criteria provided, single submitter. Criteria: Invitae Variant Classification Sherloc (09022015). Collection method: clinical testing. Allele origin: germline.
Comment: This sequence change replaces alanine, which is neutral and non-polar, with serine, which is neutral and polar, at codon 671 of the SOX5 protein (p.Ala671Ser). The frequency data for this variant in the population databases is considered unreliable, as metrics indicate poor data quality at this position in the gnomAD database. This variant has not been reported in the literature in individuals affected with SOX5-related conditions. An algorithm developed to predict the effect of missense changes on protein structure and function (PolyPhen-2) suggests that this variant is likely to be tolerated. In summary, the available evidence is currently insufficient to determine the role of this variant in disease. Therefore, it has been classified as a Variant of Uncertain Significance.

NM_006940.6(SOX5):c.2011G>T (p.Ala671Ser)

Gene: SOX5 (SRY-box transcription factor 5; minus strand). Cytogenetic location: 12p12.1.
Variant type: single nucleotide variant.
Coding change: c.2011G>T on transcript NM_006940.6 (MANE Select); coding-DNA position 2011, G replaced by T.
Protein change: p.Ala671Ser; replaces alanine 671 with serine.
Molecular consequence: missense variant.
Genome position (GRCh38, 1-based): chr12:23,534,500, C>A on the plus strand (G>T on the coding strand, the complement: SOX5 is on the minus strand). VCF-style: chr12-23534500-C-A. GRCh37 (hg19) VCF-style: chr12-23687434-C-A.
Other names: c.1648G>T, p.Ala550Ser (NM_001261414.3); c.1981G>T, p.Ala661Ser (NM_001261415.3); c.1906G>T, p.Ala636Ser (NM_001330785.2); c.1972G>T, p.Ala658Ser (NM_152989.5); c.853G>T, p.Ala285Ser (NM_178010.4); short protein forms A285S, A550S, A636S, A661S, A671S, A658S.
Identifiers: ClinVar variation 3637992 (VCV003637992.2).
Genomic context (GRCh38, chr12:23,534,500, plus strand): 5'-GGTGAGGGGAGGGCATCCCAGCCATGGCGATGGCTCCAGGGTACACAACACCAGCAGTGG[C>A]AATGGGGATCTGTGCTTGTTGCCTGTCAAGAAAGGAATTTCCAAAAAGACATCGTGGGTA-3'
Protein context (NP_008871.3, residues 661-681): NVGQQAQIPI[Ala671Ser]TAGVVYPGAI